The following is an entry in ClinVar:

NM_014874.4(MFN2):c.1621A>G (p.Ile541Val)

Gene: MFN2 (mitofusin 2; plus strand). Cytogenetic location: 1p36.22.
Variant type: single nucleotide variant.
Coding change: c.1621A>G on transcript NM_014874.4 (MANE Select); coding-DNA position 1621, A replaced by G.
Protein change: p.Ile541Val; replaces isoleucine 541 with valine.
Molecular consequence: missense variant.
Genome position (GRCh38, 1-based): chr1:12,005,836, A>G. VCF-style: chr1-12005836-A-G. GRCh37 (hg19) VCF-style: chr1-12065893-A-G.
Other names: c.1621A>G, p.Ile541Val (NM_001127660.2); short protein forms I541V.
Identifiers: ClinVar variation 932495 (VCV000932495.43), dbSNP rs1639383535, ClinGen allele CA338448090.

ClinVar aggregate classification (germline): Uncertain significance. Review status: criteria provided, multiple submitters, no conflicts (2 of 4 stars). 2 submissions from 2 submitters: Uncertain significance (2). Last evaluated 2022-09-27.

Conditions:
Charcot-Marie-Tooth disease type 2. Also called: Charcot-Marie-Tooth type 2. Identifiers: Orphanet 64746, MedGen C0270914, MONDO:0018993.

Submissions (2):

Labcorp Genetics (formerly Invitae), Labcorp
Classification: Uncertain significance for Charcot-Marie-Tooth disease type 2. Last evaluated: 2022-09-27. Review status: criteria provided, single submitter. Criteria: Invitae Variant Classification Sherloc (09022015). Collection method: clinical testing. Allele origin: germline.
Comment: In summary, the available evidence is currently insufficient to determine the role of this variant in disease. Therefore, it has been classified as a Variant of Uncertain Significance. Algorithms developed to predict the effect of missense changes on protein structure and function (SIFT, PolyPhen-2, Align-GVGD) all suggest that this variant is likely to be tolerated. ClinVar contains an entry for this variant (Variation ID: 932495). This variant has not been reported in the literature in individuals affected with MFN2-related conditions. This variant is not present in population databases (gnomAD no frequency). This sequence change replaces isoleucine, which is neutral and non-polar, with valine, which is neutral and non-polar, at codon 541 of the MFN2 protein (p.Ile541Val).

CeGaT Center for Human Genetics Tuebingen
Classification: Uncertain significance. Last evaluated: 2020-05-01. Review status: criteria provided, single submitter. Criteria: CeGaT Center For Human Genetics Tuebingen Variant Classification Criteria Version 2. Collection method: clinical testing. Allele origin: germline. Affected: yes. Observed: 1 variant allele.